The following is an entry in ClinVar:

NM_203447.4(DOCK8):c.1589_1614del (p.Val530fs)

Gene: DOCK8 (dedicator of cytokinesis 8; plus strand). Cytogenetic location: 9p24.3.
Variant type: Deletion.
Coding change: c.1589_1614del on transcript NM_203447.4 (MANE Select); coding-DNA positions 1589 to 1614, 26 bases deleted (TGAAACCCTTTCCTGAAAACCGGACA).
Protein change: p.Val530fs; shifts the reading frame from valine 530.
Molecular consequence: frameshift variant.
Genome position (GRCh38, 1-based): chr9:340,231-340,256, TGAAACCCTTTCCTGAAAACCGGACA deleted. VCF-style (leftmost placement, unchanged base first): chr9-340230-GTGAAACCCTTTCCTGAAAACCGGACA-G. GRCh37 (hg19) VCF-style: chr9-340230-GTGAAACCCTTTCCTGAAAACCGGACA-G.
Other names: c.1385_1410del, p.Val462fs (NM_001190458.2, NM_001193536.2); short protein forms V462fs, V530fs.
Identifiers: ClinVar variation 2750165 (VCV002750165.3), dbSNP rs2538022741, ClinGen allele CA2697550219.
Genomic context (GRCh38, chr9:340,230, plus strand): 5'-CTGGAGATTTCTACAGCTCCAGAGATCATCAATTGCTGTCTGACTCCTGAAATGCTGCCC[GTGAAACCCTTTCCTGAAAACCGGACA>G]CGCCCGCACAAAGAGATTTTGGAATTTCCAACACGAGAAGTATATGTCCCTCACACTGTG-3'

ClinVar aggregate classification (germline): Pathogenic (1 of 4 stars; one submission).

Conditions:
Combined immunodeficiency due to DOCK8 deficiency (HIES2). Also called: HIES autosomal recessive; Hyper-IgE recurrent infection syndrome, autosomal recessive; HYPER-IgE RECURRENT INFECTION SYNDROME 2, AUTOSOMAL RECESSIVE; HYPER-IgE SYNDROME 2, AUTOSOMAL RECESSIVE, WITH RECURRENT INFECTIONS; DOCK8 Deficiency. Identifiers: Orphanet 217390, MedGen C4722305, MONDO:0009478, OMIM 243700.

Submission:

Labcorp Genetics (formerly Invitae), Labcorp
Classification: Pathogenic for Combined immunodeficiency due to DOCK8 deficiency. Last evaluated: 2023-10-04. Review status: criteria provided, single submitter. Criteria: Invitae Variant Classification Sherloc (09022015). Collection method: clinical testing. Allele origin: germline.
Comment: This sequence change creates a premature translational stop signal (p.Val530Alafs*57) in the DOCK8 gene. It is expected to result in an absent or disrupted protein product. Loss-of-function variants in DOCK8 are known to be pathogenic (PMID: 14722525, 19776401). This variant is not present in population databases (gnomAD no frequency). This variant has not been reported in the literature in individuals affected with DOCK8-related conditions. For these reasons, this variant has been classified as Pathogenic.

Literature cited by the submitters: PubMed 14722525; PubMed 19776401.